The following is an entry in ClinVar:

NM_002490.6(NDUFA6):c.26C>T (p.Ala9Val)

Gene: NDUFA6 (NADH:ubiquinone oxidoreductase subunit A6; minus strand). Cytogenetic location: 22q13.2.
Variant type: single nucleotide variant.
Coding change: c.26C>T on transcript NM_002490.6 (MANE Select); coding-DNA position 26, C replaced by T.
Protein change: p.Ala9Val; replaces alanine 9 with valine.
Molecular consequence: missense variant.
Genome position (GRCh38, 1-based): chr22:42,090,719, G>A on the plus strand (C>T on the coding strand, the complement: NDUFA6 is on the minus strand). VCF-style: chr22-42090719-G-A. GRCh37 (hg19) VCF-style: chr22-42486723-G-A.
Other names: c.104C>T (NM_002490.4); short protein forms A9V.
Identifiers: ClinVar variation 1244198 (VCV001244198.16), dbSNP rs1801311, ClinGen allele CA10264438.

ClinVar aggregate classification (germline): Benign. Review status: criteria provided, multiple submitters, no conflicts (2 of 4 stars). 5 submissions from 5 submitters: Benign (4). 1 of the submissions does not count toward it. Last evaluated 2026-02-02.

Conditions:
NDUFA6-related disorder. Also called: NDUFA6-related condition.
Mitochondrial complex I deficiency, nuclear type 33. Also called: Mitochondrial complex 1 deficiency, nuclear type 33. Identifiers: MedGen C4748840, MONDO:0032636, OMIM 618253.

Allele frequency attached by ClinVar (database versions not stated): gnomAD exomes 0.33020 and 0.33311; ExAC 0.33715; 1000 Genomes Project 0.35383; 1000 Genomes Project 30x 0.35853; TOPMed 0.37381; gnomAD 0.37730 and 0.37980; ESP Exome Variant Server 0.38928.

Submissions (5):

Labcorp Genetics (formerly Invitae), Labcorp
Classification: Benign. Last evaluated: 2026-02-02. Review status: criteria provided, single submitter. Criteria: Invitae Variant Classification Sherloc (09022015). Collection method: clinical testing. Allele origin: germline.

Genome-Nilou Lab
Classification: Benign for Mitochondrial complex I deficiency, nuclear type 33. Last evaluated: 2021-09-05. Review status: criteria provided, single submitter. Criteria: ACMG Guidelines, 2015. Collection method: clinical testing. Allele origin: germline. Affected: no.

GeneDx
Classification: Benign. Last evaluated: 2019-06-10. Review status: criteria provided, single submitter. Criteria: GeneDx Variant Classification Process June 2021. Collection method: clinical testing. Allele origin: germline. Affected: yes.

Breakthrough Genomics
Classification: Benign. Review status: criteria provided, single submitter. Criteria: ACMG Guidelines, 2015. Collection method: not provided. Allele origin: germline. Inheritance: Autosomal recessive inheritance. Affected: yes.

PreventionGenetics, part of Exact Sciences
Classification: Benign for NDUFA6-related condition. Last evaluated: 2019-11-11. Review status: no assertion criteria provided. Collection method: clinical testing. Allele origin: germline. Not counted in ClinVar's aggregate classification.
Comment: This variant is classified as benign based on ACMG/AMP sequence variant interpretation guidelines (Richards et al. 2015 PMID: 25741868, with internal and published modifications).